The following is an entry in ClinVar:

ClinVar aggregate classification (germline): Uncertain significance. Review status: criteria provided, multiple submitters, no conflicts (2 of 4 stars). 2 submissions from 2 submitters: Uncertain significance (2). Last evaluated 2024-06-06.

Conditions:
Hypertrophic cardiomyopathy. Also called: HYPERTROPHIC MYOCARDIOPATHY. Identifiers: Orphanet 217569, MedGen C0007194, MeSH D002312, MONDO:0005045, HP:0001639.

Allele frequency attached by ClinVar (database versions not stated): TOPMed below 0.00001.

Submissions (2):

Labcorp Genetics (formerly Invitae), Labcorp
Classification: Uncertain significance for Hypertrophic cardiomyopathy. Last evaluated: 2024-06-06. Review status: criteria provided, single submitter. Criteria: Invitae Variant Classification Sherloc (09022015). Collection method: clinical testing. Allele origin: germline.
Comment: This sequence change falls in intron 2 of the TNNI3 gene. It does not directly change the encoded amino acid sequence of the TNNI3 protein. It affects a nucleotide within the consensus splice site. This variant is not present in population databases (gnomAD no frequency). This variant has not been reported in the literature in individuals affected with TNNI3-related conditions. ClinVar contains an entry for this variant (Variation ID: 1928968). Variants that disrupt the consensus splice site are a relatively common cause of aberrant splicing (PMID: 17576681, 9536098). Algorithms developed to predict the effect of sequence changes on RNA splicing suggest that this variant may disrupt the consensus splice site. In summary, the available evidence is currently insufficient to determine the role of this variant in disease. Therefore, it has been classified as a Variant of Uncertain Significance.

All of Us Research Program, National Institutes of Health
Classification: Uncertain significance for Hypertrophic cardiomyopathy. Last evaluated: 2023-09-17. Review status: criteria provided, single submitter. Criteria: ACMG Guidelines, 2015. Collection method: clinical testing. Allele origin: germline. Inheritance: Autosomal dominant inheritance. Observed: 1 variant allele, 1 heterozygote.
Comment: This variant causes a C to A nucleotide substitution at the -3 position of intron 2 of the TNNI3 gene. Splice site prediction tools suggest that this variant may have a significant impact on RNA splicing, although this prediction has not been confirmed in published RNA studies. To our knowledge, functional studies have not been reported for this variant. This variant has not been reported in individuals affected with TNNI3-related disorders in the literature. This variant has not been identified in the general population by the Genome Aggregation Database (gnomAD). The available evidence is insufficient to determine the role of this variant in disease conclusively. Therefore, this variant is classified as a Variant of Uncertain Significance.

This study involves interpretation of variants in research participants for the purpose of population health screening. Participant phenotype was not available at the time of variant classification. Additional details can be found in publication PMID: 35346344, PMCID: PMC8962531

Literature cited by the submitters: PubMed 17576681 (cited by Labcorp Genetics (formerly Invitae), Labcorp); PubMed 9536098 (cited by Labcorp Genetics (formerly Invitae), Labcorp).

NM_000363.5(TNNI3):c.25-3C>A

Gene: TNNI3 (troponin I3, cardiac type; minus strand). Cytogenetic location: 19q13.42.
Variant type: single nucleotide variant.
Coding change: c.25-3C>A on transcript NM_000363.5 (MANE Select); 3 bases into the intron before coding-DNA position 25, C replaced by A.
Molecular consequence: intron variant.
Genome position (GRCh38, 1-based): chr19:55,157,136, G>T on the plus strand (C>A on the coding strand, the complement: TNNI3 is on the minus strand). VCF-style: chr19-55157136-G-T. GRCh37 (hg19) VCF-style: chr19-55668504-G-T.
Identifiers: ClinVar variation 1928968 (VCV001928968.6), dbSNP rs2085739097, ClinGen allele CA645617752.
Genomic context (GRCh38, chr19:55,157,136, plus strand): 5'-CGCGGTAGTTGGAGGAGCGGCGTCTGATTGGGGCTGGTGCAGGGCGAGGTTCCCTAGCCT[G>T]GGTTAGGAGGAGTGGGGACCCCATCACCACCAAGACCCCACCCAGCCCTTACCGTACCGC-3'